The following is an entry in ClinVar:

ClinVar aggregate classification (germline): Benign. Review status: reviewed by expert panel (3 of 4 stars). 11 submissions from 11 submitters: Benign (1). 10 of the submissions do not count toward it. Last evaluated 2017-05-09.

Conditions:
Cardiovascular phenotype. Identifiers: MedGen CN230736.
Noonan syndrome and Noonan-related syndrome. Identifiers: Orphanet 98733, MedGen C5681679, MONDO:0020297.
Cardiofaciocutaneous syndrome 4 (CFC4). Also called: MAP2K2-Related Cardiofaciocutaneous Syndrome. Identifiers: Orphanet 1340, MedGen C3809007, MONDO:0014114, OMIM 615280.
RASopathy. Also called: rasopathies; Noonan spectrum disorder. Identifiers: Orphanet 536391, MedGen C5555857, MONDO:0021060.

Allele frequency attached by ClinVar (database versions not stated): ESP Exome Variant Server 0.00008; 1000 Genomes Project 30x 0.00016; gnomAD 0.00016 and 0.00017; 1000 Genomes Project 0.00020; TOPMed 0.00020; gnomAD exomes 0.00034; ExAC 0.00037.
gnomAD v4.1: 512 of 1,613,866 alleles (0.032%); highest among the groups gnomAD compares: East Asian, 0.55%; 2 homozygotes.

Submissions (11):

ClinGen RASopathy Variant Curation Expert Panel
Classification: Benign for Noonan syndrome and Noonan-related syndrome. Last evaluated: 2017-05-09. Review status: reviewed by expert panel. Criteria: ClinGen RASopathy ACMG Specifications v1. Collection method: curation. Allele origin: germline. Inheritance: Autosomal dominant inheritance.
Comment: The filtering allele frequency of the c.420C>T (p.Asp140=) variant in the MAP2K2 gene is 0.271% (32/8604) of East Asian chromosomes by the Exome Aggregation Consortium, which is a high enough frequency to be classified as benign based on thresholds defined by the ClinGen RASopathy Expert Panel (BA1; PMID:29493581)

Labcorp Genetics (formerly Invitae), Labcorp
Classification: Benign for RASopathy. Last evaluated: 2025-12-31. Review status: criteria provided, single submitter. Criteria: Invitae Variant Classification Sherloc (09022015). Collection method: clinical testing. Allele origin: germline. Not counted in ClinVar's aggregate classification.

ARUP Laboratories, Molecular Genetics and Genomics, ARUP Laboratories
Classification: Benign for Cardiofaciocutaneous syndrome 4. Last evaluated: 2025-05-22. Review status: criteria provided, single submitter. Criteria: ARUP Molecular Germline Variant Investigation Process 2024. Collection method: clinical testing. Allele origin: germline. Not counted in ClinVar's aggregate classification.

Blueprint Genetics
Classification: Likely benign. Last evaluated: 2024-11-04. Review status: criteria provided, single submitter. Criteria: ACMG Guidelines, 2015. Collection method: clinical testing. Allele origin: germline. Not counted in ClinVar's aggregate classification.

Mayo Clinic Laboratories, Mayo Clinic
Classification: Benign. Last evaluated: 2024-10-29. Review status: criteria provided, single submitter. Criteria: ACMG Guidelines, 2015. Collection method: clinical testing. Allele origin: germline. Observed: 1 variant allele. Not counted in ClinVar's aggregate classification.
Comment: BA1, BP4, BP7

Ambry Genetics
Classification: Likely benign for Cardiovascular phenotype. Last evaluated: 2022-03-06. Review status: criteria provided, single submitter. Criteria: Ambry Variant Classification Scheme 2023. Collection method: clinical testing. Allele origin: germline. Not counted in ClinVar's aggregate classification.

Genome Diagnostics Laboratory, The Hospital for Sick Children
Classification: Benign for Noonan syndrome and Noonan-related syndrome. Last evaluated: 2021-01-15. Review status: criteria provided, single submitter. Criteria: ACMG Guidelines, 2015. Collection method: clinical testing. Allele origin: germline. Not counted in ClinVar's aggregate classification.

Women's Health and Genetics/Laboratory Corporation of America, LabCorp
Classification: Benign. Last evaluated: 2016-11-14. Review status: criteria provided, single submitter. Criteria: LabCorp Variant Classification Summary - May 2015. Collection method: clinical testing. Allele origin: germline. Not counted in ClinVar's aggregate classification.
Comment: Variant summary: The MAP2K2 c.420C>T (p.Asp140Asp) variant involves the alteration of a non-conserved nucleotide, resulting in a synonymous change. 5/5 splice prediction tools predict no significant impact on normal splicing. This variant was found in 45/121454 control chromosomes (1 homozygote) at a frequency of 0.0003705, which is approximately 148 times the estimated maximal expected allele frequency of a pathogenic MAP2K2 variant (0.0000025), suggesting this variant is likely a benign polymorphism. The variant has been reported in patients/families with metachondromatosis, autism and carcinoma of large intestine, without strong evidence for pathogenicity (COSMIC, Bowen_2011, Kelleher_2012). In addition, multiple clinical diagnostic laboratories have classified this variant as benign. Taken together, this variant is classified as Benign.

GeneDx
Classification: Benign. Last evaluated: 2015-06-08. Review status: criteria provided, single submitter. Criteria: GeneDx Variant Classification (06012015). Collection method: clinical testing. Allele origin: germline. Affected: yes. Not counted in ClinVar's aggregate classification.
Comment: This variant is considered likely benign or benign based on one or more of the following criteria: it is a conservative change, it occurs at a poorly conserved position in the protein, it is predicted to be benign by multiple in silico algorithms, and/or has population frequency not consistent with disease.

PreventionGenetics, part of Exact Sciences
Classification: Benign. Review status: criteria provided, single submitter. Criteria: ACMG Guidelines, 2015. Collection method: clinical testing. Allele origin: germline. Not counted in ClinVar's aggregate classification.

Laboratory for Molecular Medicine, Mass General Brigham Personalized Medicine
Classification: Benign. Last evaluated: 2009-06-26. Review status: no assertion criteria provided. Collection method: clinical testing. Allele origin: germline. Observed: 3 variant alleles. Not counted in ClinVar's aggregate classification.

Literature cited by the submitters: PubMed 18470943 (cited by Women's Health and Genetics/Laboratory Corporation of America, LabCorp); PubMed 22558107 (cited by Women's Health and Genetics/Laboratory Corporation of America, LabCorp).

NM_030662.4(MAP2K2):c.420C>T (p.Asp140=)

Gene: MAP2K2 (mitogen-activated protein kinase kinase 2; minus strand). Cytogenetic location: 19p13.3.
Variant type: single nucleotide variant.
Coding change: c.420C>T on transcript NM_030662.4 (MANE Select); coding-DNA position 420, C replaced by T.
Protein change: p.Asp140=; no amino-acid change (aspartic acid 140 retained).
Molecular consequence: synonymous variant.
Genome position (GRCh38, 1-based): chr19:4,110,539, G>A on the plus strand (C>T on the coding strand, the complement: MAP2K2 is on the minus strand). VCF-style: chr19-4110539-G-A. GRCh37 (hg19) VCF-style: chr19-4110537-G-A.
Other names: NM_030662.3(MAP2K2):c.420C>T.
Identifiers: ClinVar variation 46235 (VCV000046235.26), dbSNP rs369925884, ClinGen allele CA137938.